The following is an entry in ClinVar:

NM_032043.3(BRIP1):c.1341-2A>C

Gene: BRIP1 (BRCA1 interacting DNA helicase 1; minus strand). Cytogenetic location: 17q23.2.
Variant type: single nucleotide variant.
Coding change: c.1341-2A>C on transcript NM_032043.3 (MANE Select); the canonical splice acceptor site of the intron before coding-DNA position 1341, A replaced by C.
Molecular consequence: splice acceptor variant.
Genome position (GRCh38, 1-based): chr17:61,793,731, T>G on the plus strand (A>C on the coding strand, the complement: BRIP1 is on the minus strand). VCF-style: chr17-61793731-T-G. GRCh37 (hg19) VCF-style: chr17-59871092-T-G.
Identifiers: ClinVar variation 2953252 (VCV002953252.4), dbSNP rs2145245448, ClinGen allele CA400482372.

ClinVar aggregate classification (germline): Likely pathogenic. Review status: criteria provided, multiple submitters, no conflicts (2 of 4 stars). 2 submissions from 2 submitters: Likely pathogenic (2). Last evaluated 2024-04-19.

Conditions:
Familial cancer of breast. Also called: BREAST CANCER, FAMILIAL; hereditary breast carcinoma; Hereditary breast cancer. Identifiers: Orphanet 227535, MedGen C0346153, MONDO:0016419, OMIM 114480. Disease mechanism: loss of function.
Fanconi anemia complementation group J. Also called: BRIP1-Related Fanconi Anemia. Identifiers: Orphanet 84, MedGen C1836860, MONDO:0012187, OMIM 609054.

Submissions (2):

Myriad Genetics, Inc.
Classification: Likely pathogenic for Familial cancer of breast. Last evaluated: 2024-04-19. Review status: criteria provided, single submitter. Criteria: Myriad Autosomal Dominant, Autosomal Recessive and X-Linked Classification Criteria (2023). Collection method: clinical testing. Allele origin: unknown.
Comment: This variant is considered likely pathogenic. This variant occurs within a consensus splice junction and is predicted to result in abnormal mRNA splicing of either an out-of-frame exon or an in-frame exon necessary for protein stability and/or normal function.

Labcorp Genetics (formerly Invitae), Labcorp
Classification: Likely pathogenic for Familial cancer of breast; Fanconi anemia complementation group J. Last evaluated: 2023-10-24. Review status: criteria provided, single submitter. Criteria: Invitae Variant Classification Sherloc (09022015). Collection method: clinical testing. Allele origin: germline.
Comment: This sequence change affects an acceptor splice site in intron 9 of the BRIP1 gene. It is expected to disrupt RNA splicing. Variants that disrupt the donor or acceptor splice site typically lead to a loss of protein function (PMID: 16199547), and loss-of-function variants in BRIP1 are known to be pathogenic (PMID: 16116423, 17033622, 21964575). This variant is not present in population databases (gnomAD no frequency). This variant has not been reported in the literature in individuals affected with BRIP1-related conditions. Algorithms developed to predict the effect of sequence changes on RNA splicing suggest that this variant may disrupt the consensus splice site. In summary, the currently available evidence indicates that the variant is pathogenic, but additional data are needed to prove that conclusively. Therefore, this variant has been classified as Likely Pathogenic.

Literature cited by the submitters: PubMed 16199547 (cited by Labcorp Genetics (formerly Invitae), Labcorp); PubMed 16116423 (cited by Labcorp Genetics (formerly Invitae), Labcorp); PubMed 17033622 (cited by Labcorp Genetics (formerly Invitae), Labcorp); PubMed 21964575 (cited by Labcorp Genetics (formerly Invitae), Labcorp).